The following is an entry in ClinVar:

ClinVar aggregate classification (germline): Benign. Review status: criteria provided, multiple submitters, no conflicts (2 of 4 stars). 4 submissions from 4 submitters: Benign (3). 1 of the submissions does not count toward it. Last evaluated 2021-08-23.

Conditions:
Neurodevelopmental disorder with hypotonia, impaired language, and dysmorphic features. Also called: Intellectual disability, autosomal dominant 40. Identifiers: Orphanet 692193, MedGen C5676894, MONDO:0014699, OMIM 616579.
CHAMP1-related disorder. Also called: CHAMP1-related condition.

Allele frequency attached by ClinVar (database versions not stated): ESP Exome Variant Server 0.00031; gnomAD 0.00146 and 0.00189; TOPMed 0.00211; ExAC 0.00411; gnomAD exomes 0.00425 and 0.00123; 1000 Genomes Project 0.01138; 1000 Genomes Project 30x 0.01124.
gnomAD v4.1: 2,156 of 1,614,022 alleles (0.13%); highest among the groups gnomAD compares: East Asian, 4.3%; 45 homozygotes.

Submissions (4):

Fulgent Genetics
Classification: Benign for Neurodevelopmental disorder with hypotonia, impaired language, and dysmorphic features. Last evaluated: 2021-08-23. Review status: criteria provided, single submitter. Criteria: ACMG Guidelines, 2015. Collection method: clinical testing. Allele origin: unknown.

Labcorp Genetics (formerly Invitae), Labcorp
Classification: Benign. Last evaluated: 2019-12-31. Review status: criteria provided, single submitter. Criteria: Invitae Variant Classification Sherloc (09022015). Collection method: clinical testing. Allele origin: germline.

Breakthrough Genomics
Classification: Benign. Review status: criteria provided, single submitter. Criteria: ACMG Guidelines, 2015. Collection method: not provided. Allele origin: germline. Inheritance: Autosomal dominant inheritance. Affected: yes.

PreventionGenetics, part of Exact Sciences
Classification: Benign for CHAMP1-related condition. Last evaluated: 2019-04-11. Review status: no assertion criteria provided. Collection method: clinical testing. Allele origin: germline. Not counted in ClinVar's aggregate classification.
Comment: This variant is classified as benign based on ACMG/AMP sequence variant interpretation guidelines (Richards et al. 2015 PMID: 25741868, with internal and published modifications).

NM_032436.4(CHAMP1):c.951T>C (p.Pro317=)

Gene: CHAMP1 (chromosome alignment maintaining phosphoprotein 1; plus strand). Cytogenetic location: 13q34.
Variant type: single nucleotide variant.
Coding change: c.951T>C on transcript NM_032436.4 (MANE Select); coding-DNA position 951, T replaced by C.
Protein change: p.Pro317=; no amino-acid change (proline 317 retained).
Molecular consequence: synonymous variant.
Genome position (GRCh38, 1-based): chr13:114,324,793, T>C. VCF-style: chr13-114324793-T-C. GRCh37 (hg19) VCF-style: chr13-115090268-T-C.
Other names: c.951T>C (NM_001164145.2); c.951T>C, p.Pro317= (NM_001164144.3, NM_001164145.3).
Identifiers: ClinVar variation 715527 (VCV000715527.8), dbSNP rs144765511, ClinGen allele CA7070725.